The following is an entry in ClinVar:

ClinVar aggregate classification (germline): Benign/Likely benign. Review status: criteria provided, multiple submitters, no conflicts (2 of 4 stars). 5 submissions from 5 submitters: Benign (1); Likely benign (4). Last evaluated 2024-08-22.

Conditions:
Familial cancer of breast. Also called: hereditary breast carcinoma; Hereditary breast cancer; BREAST CANCER, FAMILIAL. Identifiers: Orphanet 227535, MedGen C0346153, MONDO:0016419, OMIM 114480. Disease mechanism: loss of function.
Fanconi anemia complementation group J. Also called: BRIP1-Related Fanconi Anemia. Identifiers: Orphanet 84, MedGen C1836860, MONDO:0012187, OMIM 609054.
Hereditary cancer-predisposing syndrome. Also called: Neoplastic Syndromes, Hereditary; Hereditary Cancer Syndrome; Hereditary neoplastic syndrome; Tumor predisposition. Identifiers: Orphanet 140162, MedGen C0027672, MeSH D009386, MONDO:0015356.

Allele frequency attached by ClinVar (database versions not stated): TOPMed 0.00001.
gnomAD v4.1: 1 of 1,613,746 alleles (0.000062%); highest among the groups gnomAD compares: African/African-American, 0.0013%; no homozygotes.

Submissions (5):

Myriad Genetics, Inc.
Classification: Benign for Familial cancer of breast. Last evaluated: 2024-08-22. Review status: criteria provided, single submitter. Criteria: Myriad Autosomal Dominant, Autosomal Recessive and X-Linked Classification Criteria (2023). Collection method: clinical testing. Allele origin: unknown.
Comment: This variant is considered benign. This variant is a silent/synonymous amino acid change and it is not expected to impact splicing.

Labcorp Genetics (formerly Invitae), Labcorp
Classification: Likely benign for Familial cancer of breast; Fanconi anemia complementation group J. Last evaluated: 2024-04-25. Review status: criteria provided, single submitter. Criteria: Invitae Variant Classification Sherloc (09022015). Collection method: clinical testing. Allele origin: germline.

Blueprint Genetics
Classification: Likely benign. Last evaluated: 2022-06-13. Review status: criteria provided, single submitter. Criteria: ACMG Guidelines, 2015. Collection method: clinical testing. Allele origin: germline.

Color Diagnostics, LLC DBA Color Health
Classification: Likely benign for Hereditary cancer-predisposing syndrome. Last evaluated: 2019-07-16. Review status: criteria provided, single submitter. Criteria: ACMG Guidelines, 2015. Collection method: clinical testing. Allele origin: germline.

Ambry Genetics
Classification: Likely benign for Hereditary cancer-predisposing syndrome. Last evaluated: 2016-02-16. Review status: criteria provided, single submitter. Criteria: Ambry Variant Classification Scheme 2023. Collection method: clinical testing. Allele origin: germline.

NM_032043.3(BRIP1):c.696C>T (p.Thr232=)

Gene: BRIP1 (BRCA1 interacting DNA helicase 1; minus strand). Cytogenetic location: 17q23.2.
Variant type: single nucleotide variant.
Coding change: c.696C>T on transcript NM_032043.3 (MANE Select); coding-DNA position 696, C replaced by T.
Protein change: p.Thr232=; no amino-acid change (threonine 232 retained).
Molecular consequence: synonymous variant.
Genome position (GRCh38, 1-based): chr17:61,808,689, G>A on the plus strand (C>T on the coding strand, the complement: BRIP1 is on the minus strand). VCF-style: chr17-61808689-G-A. GRCh37 (hg19) VCF-style: chr17-59886050-G-A.
Identifiers: ClinVar variation 461178 (VCV000461178.20), dbSNP rs772957320, ClinGen allele CA292287850.
Genomic context (GRCh38, chr17:61,808,689, plus strand): 5'-TGTGCGTGTCCCAAAATATATTTTGGGTATCTTGGATTTCCCTGTATGATCCTTCTTAAT[G>A]GTATTCGATGACTCTTGACTGTTTCCTTGTTTAGTAGAACAACAGCACCTAGAACAGTGG-3'
Protein context (NP_114432.2, residues 222-242): KQGNSQESSN[Thr232=]IKKDHTGKSK